The following is an entry in ClinVar:

NM_018136.5(ASPM):c.8068C>T (p.Arg2690Trp)

Gene: ASPM (assembly factor for spindle microtubules; minus strand). Cytogenetic location: 1q31.3.
Variant type: single nucleotide variant.
Coding change: c.8068C>T on transcript NM_018136.5 (MANE Select); coding-DNA position 8068, C replaced by T.
Protein change: p.Arg2690Trp; replaces arginine 2690 with tryptophan.
Molecular consequence: missense variant. On other transcripts: intron variant (1).
Genome position (GRCh38, 1-based): chr1:197,101,183, G>A on the plus strand (C>T on the coding strand, the complement: ASPM is on the minus strand). VCF-style: chr1-197101183-G-A. GRCh37 (hg19) VCF-style: chr1-197070313-G-A.
Other names: c.4066-5019C>T (NM_001206846.2); short protein forms R2690W.
Identifiers: ClinVar variation 194877 (VCV000194877.17), dbSNP rs41302133, ClinGen allele CA241080.
Genomic context (GRCh38, chr1:197,101,183, plus strand): 5'-TTTCATAATCAACTTTGGCCCTGTGCATTCGATAGAATGACTGAATTAGTGTGGCAGCCC[G>A]GTGCATATTTTGAATATCCTTTCGTACTTTAAAGCCTCTGTAATAAGACTGTATACAAAT-3'
Protein context (NP_060606.3, residues 2680-2700): KVRKDIQNMH[Arg2690Trp]AATLIQSFYR

ClinVar aggregate classification (germline): Conflicting classifications of pathogenicity. Review status: criteria provided, conflicting classifications (1 of 4 stars). 6 submissions from 6 submitters: Uncertain significance (4); Likely benign (2). Last evaluated 2025-02-25.

Conditions:
Inborn genetic diseases. Identifiers: MedGen C0950123, MeSH D030342.
Microcephaly 5, primary, autosomal recessive (MCPH5). Also called: ASPM Primary Microcephaly. Identifiers: Orphanet 2512, MedGen C1837501, MONDO:0012106, OMIM 608716.

Allele frequency attached by ClinVar (database versions not stated): ESP Exome Variant Server 0.00023; gnomAD exomes 0.00031; ExAC 0.00032; 1000 Genomes Project 30x 0.00047; gnomAD 0.00049 and 0.00050; TOPMed 0.00049; 1000 Genomes Project 0.00060.

Submissions (6):

Ambry Genetics
Classification: Likely benign for Inborn genetic diseases. Last evaluated: 2025-02-25. Review status: criteria provided, single submitter. Criteria: Ambry Variant Classification Scheme 2023. Collection method: clinical testing. Allele origin: germline.

Labcorp Genetics (formerly Invitae), Labcorp
Classification: Uncertain significance. Last evaluated: 2022-09-01. Review status: criteria provided, single submitter. Criteria: Invitae Variant Classification Sherloc (09022015). Collection method: clinical testing. Allele origin: germline.
Comment: This sequence change replaces arginine, which is basic and polar, with tryptophan, which is neutral and slightly polar, at codon 2690 of the ASPM protein (p.Arg2690Trp). This variant is present in population databases (rs41302133, gnomAD 0.08%). This variant has not been reported in the literature in individuals affected with ASPM-related conditions. ClinVar contains an entry for this variant (Variation ID: 194877). Algorithms developed to predict the effect of missense changes on protein structure and function are either unavailable or do not agree on the potential impact of this missense change (SIFT: "Deleterious"; PolyPhen-2: "Benign"; Align-GVGD: "Class C0"). In summary, the available evidence is currently insufficient to determine the role of this variant in disease. Therefore, it has been classified as a Variant of Uncertain Significance.

GeneDx
Classification: Likely benign. Last evaluated: 2018-12-24. Review status: criteria provided, single submitter. Criteria: GeneDx Variant Classification Process June 2021. Collection method: clinical testing. Allele origin: germline. Affected: yes.

Fulgent Genetics
Classification: Uncertain significance for Microcephaly 5, primary, autosomal recessive. Last evaluated: 2018-10-31. Review status: criteria provided, single submitter. Criteria: ACMG Guidelines, 2015. Collection method: clinical testing. Allele origin: unknown.

Illumina Laboratory Services, Illumina
Classification: Uncertain significance for Microcephaly 5, primary, autosomal recessive. Last evaluated: 2018-01-13. Review status: criteria provided, single submitter. Criteria: ICSL Variant Classification Criteria 13 December 2019. Collection method: clinical testing. Allele origin: germline.

Eurofins Ntd Llc (ga)
Classification: Uncertain significance. Last evaluated: 2015-02-02. Review status: criteria provided, single submitter. Criteria: EGL Classification Definitions 2015. Collection method: clinical testing. Allele origin: germline. Observed: 1 variant allele, 1 heterozygote.